The following is an entry in ClinVar:

ClinVar aggregate classification (germline): Uncertain significance. Review status: criteria provided, multiple submitters, no conflicts (2 of 4 stars). 3 submissions from 3 submitters: Uncertain significance (3). Last evaluated 2024-05-14.

Conditions:
Cardiomyopathy (CMYO). Also called: Cardiomyopathies. Identifiers: Orphanet 167848, MedGen C0878544, MONDO:0004994, HP:0001638. Inheritance: Various modes of inheritance.
Hypertrophic cardiomyopathy. Also called: HYPERTROPHIC MYOCARDIOPATHY. Identifiers: Orphanet 217569, MedGen C0007194, MeSH D002312, MONDO:0005045, HP:0001639.

gnomAD v4.1: 2 of 1,595,006 alleles (0.00013%); highest among the groups gnomAD compares: Non-Finnish European, 0.00017%; no homozygotes.

Submissions (3):

All of Us Research Program, National Institutes of Health
Classification: Uncertain significance for Hypertrophic cardiomyopathy. Last evaluated: 2024-05-14. Review status: criteria provided, single submitter. Criteria: ACMG Guidelines, 2015. Collection method: clinical testing. Allele origin: germline. Inheritance: Autosomal dominant inheritance. Observed: 1 variant allele, 1 heterozygote.
Comment: This missense variant replaces valine with alanine at codon 21 of the MYBPC3 protein. Computational prediction suggests that this variant may not impact protein structure and function (internally defined REVEL score threshold <= 0.5, PMID: 27666373). To our knowledge, functional studies have not been reported for this variant. This variant has not been reported in individuals affected with cardiovascular disorders in the literature. This variant has not been identified in the general population by the Genome Aggregation Database (gnomAD). The available evidence is insufficient to determine the role of this variant in disease conclusively. Therefore, this variant is classified as a Variant of Uncertain Significance.

This study involves interpretation of variants in research participants for the purpose of population health screening. Participant phenotype was not available at the time of variant classification. Additional details can be found in publication PMID: 35346344, PMCID: PMC8962531

Color Diagnostics, LLC DBA Color Health
Classification: Uncertain significance for Cardiomyopathy. Last evaluated: 2024-03-07. Review status: criteria provided, single submitter. Criteria: ACMG Guidelines, 2015. Collection method: clinical testing. Allele origin: germline.
Comment: This missense variant replaces valine with alanine at codon 21 of the MYBPC3 protein. Computational prediction suggests that this variant may not impact protein structure and function (internally defined REVEL score threshold <= 0.5, PMID: 27666373). To our knowledge, functional studies have not been reported for this variant. This variant has not been reported in individuals affected with cardiovascular disorders in the literature. This variant has not been identified in the general population by the Genome Aggregation Database (gnomAD). The available evidence is insufficient to determine the role of this variant in disease conclusively. Therefore, this variant is classified as a Variant of Uncertain Significance.

Labcorp Genetics (formerly Invitae), Labcorp
Classification: Uncertain significance for Hypertrophic cardiomyopathy. Last evaluated: 2023-02-27. Review status: criteria provided, single submitter. Criteria: Invitae Variant Classification Sherloc (09022015). Collection method: clinical testing. Allele origin: germline.
Comment: This variant is not present in population databases (gnomAD no frequency). This sequence change replaces valine, which is neutral and non-polar, with alanine, which is neutral and non-polar, at codon 21 of the MYBPC3 protein (p.Val21Ala). This variant has not been reported in the literature in individuals affected with MYBPC3-related conditions. ClinVar contains an entry for this variant (Variation ID: 1171452). Algorithms developed to predict the effect of missense changes on protein structure and function output the following: SIFT: "Not Available"; PolyPhen-2: "Benign"; Align-GVGD: "Not Available". The alanine amino acid residue is found in multiple mammalian species, which suggests that this missense change does not adversely affect protein function. In summary, the available evidence is currently insufficient to determine the role of this variant in disease. Therefore, it has been classified as a Variant of Uncertain Significance.

NM_000256.3(MYBPC3):c.62T>C (p.Val21Ala)

Gene: MYBPC3 (myosin binding protein C3; minus strand). Cytogenetic location: 11p11.2.
Variant type: single nucleotide variant.
Coding change: c.62T>C on transcript NM_000256.3 (MANE Select); coding-DNA position 62, T replaced by C.
Protein change: p.Val21Ala; replaces valine 21 with alanine.
Molecular consequence: missense variant.
Genome position (GRCh38, 1-based): chr11:47,351,469, A>G on the plus strand (T>C on the coding strand, the complement: MYBPC3 is on the minus strand). VCF-style: chr11-47351469-A-G. GRCh37 (hg19) VCF-style: chr11-47373020-A-G.
Other names: short protein forms V21A.
Identifiers: ClinVar variation 1171452 (VCV001171452.7), dbSNP rs1362750360, ClinGen allele CA380342001.
Genomic context (GRCh38, chr11:47,351,469, plus strand): 5'-CGCACCTTCACTCCTGCCCGCTCTGTCTCGGCCTCGAACACGGCAGGGCTGCCTGCGGCC[A>G]CTTCCACTGACCGTGGCTTCTTGCTAAAAGCTGAGACTGAAGGGCCAGGTGGAGGCTACA-3'
Protein context (NP_000247.2, residues 11-31): AFSKKPRSVE[Val21Ala]AAGSPAVFEA